The following is an entry in ClinVar:

ClinVar aggregate classification (germline): Uncertain significance. Review status: criteria provided, multiple submitters, no conflicts (2 of 4 stars). 2 submissions from 2 submitters: Uncertain significance (2). Last evaluated 2025-03-06.

Conditions:
Inborn genetic diseases. Identifiers: MedGen C0950123, MeSH D030342.
Peroxisome biogenesis disorder 7A (Zellweger). Also called: Peroxisome biogenesis disorder 7A. Identifiers: Orphanet 912, MedGen C3888385, MONDO:0013938, OMIM 614872.
Peroxisome biogenesis disorder 7B (PBD7B). Identifiers: Orphanet 44, MedGen C3553951, MONDO:0013939, OMIM 614873.

Allele frequency attached by ClinVar (database versions not stated): gnomAD exomes below 0.00001; ExAC 0.00001; TOPMed 0.00001; gnomAD 0.00002.
gnomAD v4.1: 6 of 1,611,420 alleles (0.00037%); highest among the groups gnomAD compares: Admixed American, 0.005%; no homozygotes.

Submissions (2):

Ambry Genetics
Classification: Uncertain significance for Inborn genetic diseases. Last evaluated: 2025-03-06. Review status: criteria provided, single submitter. Criteria: Ambry Variant Classification Scheme 2023. Collection method: clinical testing. Allele origin: germline.

Labcorp Genetics (formerly Invitae), Labcorp
Classification: Uncertain significance for Peroxisome biogenesis disorder 7A (Zellweger); Peroxisome biogenesis disorder 7B. Last evaluated: 2022-12-06. Review status: criteria provided, single submitter. Criteria: Invitae Variant Classification Sherloc (09022015). Collection method: clinical testing. Allele origin: germline.
Comment: In summary, the available evidence is currently insufficient to determine the role of this variant in disease. Therefore, it has been classified as a Variant of Uncertain Significance. Algorithms developed to predict the effect of missense changes on protein structure and function (SIFT, PolyPhen-2, Align-GVGD) all suggest that this variant is likely to be tolerated. This variant has not been reported in the literature in individuals affected with PEX26-related conditions. This variant is present in population databases (rs755724442, gnomAD 0.003%). This sequence change replaces glutamine, which is neutral and polar, with histidine, which is basic and polar, at codon 300 of the PEX26 protein (p.Gln300His).

NM_001127649.3(PEX26):c.900G>C (p.Gln300His)

Gene: PEX26 (peroxisomal biogenesis factor 26; plus strand). Cytogenetic location: 22q11.21.
Variant type: single nucleotide variant.
Coding change: c.900G>C on transcript NM_001127649.3 (MANE Select); coding-DNA position 900, G replaced by C.
Protein change: p.Gln300His; replaces glutamine 300 with histidine.
Molecular consequence: missense variant.
Genome position (GRCh38, 1-based): chr22:18,088,057, G>C. VCF-style: chr22-18088057-G-C. GRCh37 (hg19) VCF-style: chr22-18570823-G-C.
Other names: c.753G>C, p.Gln251His (NM_001199319.2); c.900G>C, p.Gln300His (NM_017929.6); c.900G>C (NM_017929.5); short protein forms Q300H, Q251H.
Identifiers: ClinVar variation 2092367 (VCV002092367.4), dbSNP rs755724442, ClinGen allele CA10093446.